The following is an entry in ClinVar:

ClinVar aggregate classification (germline): Pathogenic. Review status: criteria provided, single submitter (1 of 4 stars). 2 submissions from 2 submitters: Pathogenic (1). 1 of the submissions does not count toward it. Last evaluated 2024-05-15.

Conditions:
Wiedemann-Steiner syndrome (WDSTS). Also called: Growth deficiency and mental retardation with facial dysmorphism. Identifiers: Orphanet 319182, MedGen C1854630, MONDO:0011518, OMIM 605130.

Submissions (2):

Labcorp Genetics (formerly Invitae), Labcorp
Classification: Pathogenic. Last evaluated: 2024-05-15. Review status: criteria provided, single submitter. Criteria: Invitae Variant Classification Sherloc (09022015). Collection method: clinical testing. Allele origin: germline.
Comment: This sequence change creates a premature translational stop signal (p.Val2936*) in the KMT2A gene. It is expected to result in an absent or disrupted protein product. Loss-of-function variants in KMT2A are known to be pathogenic (PMID: 22795537, 25810209, 29574747). This variant is not present in population databases (gnomAD no frequency). This premature translational stop signal has been observed in individuals with Wiedemann-Steiner syndrome (PMID: 22795537, 30287924). For these reasons, this variant has been classified as Pathogenic.

OMIM
Classification: Pathogenic for WIEDEMANN-STEINER SYNDROME. Last evaluated: 2012-08-10. Review status: no assertion criteria provided. Collection method: literature only. Allele origin: germline. Not counted in ClinVar's aggregate classification.

Literature cited by the submitters: PubMed 22795537 (cited by Labcorp Genetics (formerly Invitae), Labcorp and OMIM); PubMed 25810209 (cited by Labcorp Genetics (formerly Invitae), Labcorp); PubMed 29574747 (cited by Labcorp Genetics (formerly Invitae), Labcorp); PubMed 30287924 (cited by Labcorp Genetics (formerly Invitae), Labcorp).

NM_001197104.2(KMT2A):c.8806_8809del (p.Ser2935_Val2936insTer)

Gene: KMT2A (lysine methyltransferase 2A; plus strand). Cytogenetic location: 11q23.3.
Variant type: Microsatellite.
Coding change: c.8806_8809del on transcript NM_001197104.2 (MANE Select); coding-DNA positions 8806 to 8809, 4 bases deleted (GTCT; older notation c.8806_8809delGTCT).
Protein change: p.Ser2935_Val2936insTer.
Molecular consequence: nonsense.
Genome position (GRCh38, 1-based): chr11:118,504,698-118,504,701, GTCT deleted; deleting any 4 consecutive bases within chr11:118,504,691-118,504,701 gives the same sequence; the c. name uses the placement nearest the transcript's 3' end. VCF-style (leftmost placement, unchanged base first): chr11-118504690-ATCTG-A. GRCh37 (hg19) VCF-style: chr11-118375405-ATCTG-A.
Other names: KMT2A, 4-BP DEL, NT8806; c.8797_8800del, p.Ser2932_Val2933insTer (NM_005933.4).
Identifiers: ClinVar variation 37071 (VCV000037071.4), dbSNP rs398122878, ClinGen allele CA130067.
Genomic context (GRCh38, chr11:118,504,690, plus strand): 5'-GTGTCTCTTCCTCTATCTCAGCAGAGGAACAGTTTGAGTTGCCTCTAGAGCTACCATCTG[ATCTG>A]TCTGTCTTGACCACCCGGAGTCCCACTGTCCCCAGCCAGAATCCCAGTAGACTAGCTGTT-3'